The following is an entry in ClinVar:

ClinVar aggregate classification (germline): Uncertain significance (1 of 4 stars; one submission).

Allele frequency attached by ClinVar (database versions not stated): gnomAD exomes below 0.00001.
gnomAD v4.1: 1 of 1,540,476 alleles (0.000065%); highest among the groups gnomAD compares: Non-Finnish European, 0.000087%; no homozygotes.

Submission:

GeneDx
Classification: Uncertain significance. Last evaluated: 2024-10-28. Review status: criteria provided, single submitter. Criteria: GeneDx Variant Classification Process June 2021. Collection method: clinical testing. Allele origin: germline. Affected: yes.
Comment: Not observed at significant frequency in large population cohorts (gnomAD); In silico analysis supports that this missense variant has a deleterious effect on protein structure/function; Has not been previously published as pathogenic or benign to our knowledge

NM_001270.4(CHD1):c.1341A>T (p.Lys447Asn)

Gene: CHD1 (chromodomain helicase DNA binding protein 1; minus strand). Cytogenetic location: 5q15.
Variant type: single nucleotide variant.
Coding change: c.1341A>T on transcript NM_001270.4 (MANE Select); coding-DNA position 1341, A replaced by T.
Protein change: p.Lys447Asn; replaces lysine 447 with asparagine.
Molecular consequence: missense variant. On other transcripts: non-coding transcript variant (2).
Genome position (GRCh38, 1-based): chr5:98,898,280, T>A on the plus strand (A>T on the coding strand, the complement: CHD1 is on the minus strand). VCF-style: chr5-98898280-T-A. GRCh37 (hg19) VCF-style: chr5-98233984-T-A.
Other names: c.1341A>T, p.Lys447Asn (NM_001364113.3, NM_001376194.2); short protein forms K447N.
Identifiers: ClinVar variation 2582061 (VCV002582061.2), dbSNP rs2479689792, ClinGen allele CA360519665.